The following is an entry in ClinVar:

NM_000053.4(ATP7B):c.2876A>T (p.Lys959Met)

Gene: ATP7B (ATPase copper transporting beta; minus strand). Cytogenetic location: 13q14.3.
Variant type: single nucleotide variant.
Coding change: c.2876A>T on transcript NM_000053.4 (MANE Select); coding-DNA position 2876, A replaced by T.
Protein change: p.Lys959Met; replaces lysine 959 with methionine.
Molecular consequence: missense variant.
Genome position (GRCh38, 1-based): chr13:51,946,468, T>A on the plus strand (A>T on the coding strand, the complement: ATP7B is on the minus strand). VCF-style: chr13-51946468-T-A. GRCh37 (hg19) VCF-style: chr13-52520604-T-A.
Other names: c.2255A>T, p.Lys752Met (NM_001005918.3); c.2543A>T, p.Lys848Met (NM_001243182.2); c.2642A>T, p.Lys881Met (NM_001330578.2, NM_001406527.1, NM_001406528.1 and 1 more transcripts); c.2624A>T, p.Lys875Met (NM_001330579.2, NM_001406531.1, NM_001406532.1); c.2876A>T, p.Lys959Met (NM_001406511.1, NM_001406512.1, NM_001406513.1 and 2 more transcripts); c.2843A>T, p.Lys948Met (NM_001406514.1); c.2822A>T, p.Lys941Met (NM_001406515.1, NM_001406516.1); c.2780A>T, p.Lys927Met (NM_001406517.1, NM_001406518.1); and 12 more; short protein forms K765M, K848M, K879M, K881M, K941M, K816M, K843M, K863M.
Identifiers: ClinVar variation 1797099 (VCV001797099.2), dbSNP rs1957667608, ClinGen allele CA388032557.

ClinVar aggregate classification (germline): Uncertain significance (1 of 4 stars; one submission).

Conditions:
Inborn genetic diseases. Identifiers: MedGen C0950123, MeSH D030342.

Allele frequency attached by ClinVar (database versions not stated): gnomAD exomes below 0.00001; gnomAD 0.00001.
gnomAD v4.1: 3 of 1,614,066 alleles (0.00019%); no homozygotes.

Submission:

Ambry Genetics
Classification: Uncertain significance for Inborn genetic diseases. Last evaluated: 2022-05-27. Review status: criteria provided, single submitter. Criteria: Ambry Variant Classification Scheme 2023. Collection method: clinical testing. Allele origin: germline.
Comment: The p.K959M variant (also known as c.2876A>T), located in coding exon 13 of the ATP7B gene, results from an A to T substitution at nucleotide position 2876. The lysine at codon 959 is replaced by methionine, an amino acid with similar properties. This amino acid position is conserved. In addition, this alteration is predicted to be deleterious by in silico analysis. Since supporting evidence is limited at this time, the clinical significance of this alteration remains unclear.